The following is an entry in ClinVar:

NM_002334.4(LRP4):c.3389C>T (p.Ala1130Val)

Gene: LRP4 (LDL receptor related protein 4; minus strand). Cytogenetic location: 11p11.2.
Variant type: single nucleotide variant.
Coding change: c.3389C>T on transcript NM_002334.4 (MANE Select); coding-DNA position 3389, C replaced by T.
Protein change: p.Ala1130Val; replaces alanine 1130 with valine.
Molecular consequence: missense variant.
Genome position (GRCh38, 1-based): chr11:46,876,613, G>A on the plus strand (C>T on the coding strand, the complement: LRP4 is on the minus strand). VCF-style: chr11-46876613-G-A. GRCh37 (hg19) VCF-style: chr11-46898164-G-A.
Other names: short protein forms A1130V.
Identifiers: ClinVar variation 2053902 (VCV002053902.4), dbSNP rs138418874, ClinGen allele CA5969607.

ClinVar aggregate classification (germline): Uncertain significance. Review status: criteria provided, multiple submitters, no conflicts (2 of 4 stars). 2 submissions from 2 submitters: Uncertain significance (2). Last evaluated 2025-01-06.

Conditions:
Cenani-Lenz syndactyly syndrome. Also called: SYNDACTYLY, TYPE VII; CENANI SYNDACTYLISM. Identifiers: Orphanet 3258, MedGen C1859309, MONDO:0008931, OMIM 212780.
Sclerosteosis 2 (SOST2). Identifiers: Orphanet 3152, MedGen C3280402, MONDO:0013679, OMIM 614305.
Congenital myasthenic syndrome 17. Identifiers: Orphanet 590, MedGen C4225377, MONDO:0014578, OMIM 616304.

Allele frequency attached by ClinVar (database versions not stated): gnomAD exomes 0.00002; ExAC 0.00008; ESP Exome Variant Server 0.00008; TOPMed 0.00014; gnomAD 0.00015; 1000 Genomes Project 0.00020; 1000 Genomes Project 30x 0.00031.
gnomAD v4.1: 48 of 1,614,138 alleles (0.003%); highest among the groups gnomAD compares: African/African-American, 0.028%; no homozygotes.

Submissions (2):

Labcorp Genetics (formerly Invitae), Labcorp
Classification: Uncertain significance for Cenani-Lenz syndactyly syndrome; Sclerosteosis 2; Congenital myasthenic syndrome 17. Last evaluated: 2025-01-06. Review status: criteria provided, single submitter. Criteria: Invitae Variant Classification Sherloc (09022015). Collection method: clinical testing. Allele origin: germline.
Comment: This sequence change replaces alanine, which is neutral and non-polar, with valine, which is neutral and non-polar, at codon 1130 of the LRP4 protein (p.Ala1130Val). This variant is present in population databases (rs138418874, gnomAD 0.03%). This variant has not been reported in the literature in individuals affected with LRP4-related conditions. ClinVar contains an entry for this variant (Variation ID: 2053902). Invitae Evidence Modeling of protein sequence and biophysical properties (such as structural, functional, and spatial information, amino acid conservation, physicochemical variation, residue mobility, and thermodynamic stability) has been performed for this missense variant. However, the output from this modeling did not meet the statistical confidence thresholds required to predict the impact of this variant on LRP4 protein function. In summary, the available evidence is currently insufficient to determine the role of this variant in disease. Therefore, it has been classified as a Variant of Uncertain Significance.

Juno Genomics, Hangzhou Juno Genomics, Inc
Classification: Uncertain significance for Congenital myasthenic syndrome 17; Cenani-Lenz syndactyly syndrome; Sclerosteosis 2. Review status: criteria provided, single submitter. Criteria: ACMG Guidelines, 2015. Collection method: clinical testing. Allele origin: germline.
Comment: Missense variant in a gene that has a low rate of benign missense variation.;Multiple lines of computational evidence support a deleterious effect on the gene or gene product.;Absent from controls (or at extremely low frequency if recessive) in Genome Aggregation Database.